The following is an entry in ClinVar:

ClinVar aggregate classification (germline): Uncertain significance (1 of 4 stars; one submission).

Submission:

GeneDx
Classification: Uncertain significance. Last evaluated: 2020-09-28. Review status: criteria provided, single submitter. Criteria: GeneDx Variant Classification Process June 2021. Collection method: clinical testing. Allele origin: germline. Affected: yes.
Comment: Not observed in large population cohorts (Lek et al., 2016); In silico analysis, which includes protein predictors and evolutionary conservation, supports that this variant does not alter protein structure/function; Has not been previously published as pathogenic or benign to our knowledge

NM_001256864.2(DNAJC6):c.2062A>T (p.Ile688Phe)

Gene: DNAJC6 (DnaJ heat shock protein family (Hsp40) member C6; plus strand). Cytogenetic location: 1p31.3.
Variant type: single nucleotide variant.
Coding change: c.2062A>T on transcript NM_001256864.2 (MANE Select); coding-DNA position 2062, A replaced by T.
Protein change: p.Ile688Phe; replaces isoleucine 688 with phenylalanine.
Molecular consequence: missense variant.
Genome position (GRCh38, 1-based): chr1:65,398,836, A>T. VCF-style: chr1-65398836-A-T. GRCh37 (hg19) VCF-style: chr1-65864519-A-T.
Other names: c.1852A>T, p.Ile618Phe (NM_001256865.2); c.1891A>T, p.Ile631Phe (NM_014787.4); short protein forms I618F, I631F, I688F.
Identifiers: ClinVar variation 1307711 (VCV001307711.2), dbSNP rs2101624319, ClinGen allele CA340691529.
Genomic context (GRCh38, chr1:65,398,836, plus strand): 5'-CTCTTGTTCTCATTCTTTTTCTTTTCCCCATTTGCAGCTTCTAGTACGCCTGCTGTGAAC[A>T]TTCAGCCAGATGTTTCTGGAGGTTGGGACTGGCATGCTAAACCAGGTAAAAGCAGGTTAT-3'
Protein context (NP_001243793.1, residues 678-698): VHASSTPAVN[Ile688Phe]QPDVSGGWDW